The following is an entry in ClinVar:

ClinVar aggregate classification (germline): Uncertain significance. Review status: criteria provided, multiple submitters, no conflicts (2 of 4 stars). 3 submissions from 3 submitters: Uncertain significance (3). Last evaluated 2024-02-28.

Conditions:
Brody myopathy. Also called: BRODY DISEASE. Identifiers: Orphanet 53347, MedGen C1832918, MONDO:0010977, OMIM 601003.

Allele frequency attached by ClinVar (database versions not stated): ExAC 0.00002; gnomAD exomes 0.00003; ESP Exome Variant Server 0.00008; 1000 Genomes Project 30x 0.00016; 1000 Genomes Project 0.00020; gnomAD 0.00029; TOPMed 0.00039.
gnomAD v4.1: 93 of 1,613,906 alleles (0.0058%); highest among the groups gnomAD compares: Admixed American, 0.095%; no homozygotes.

Submissions (3):

Blueprint Genetics
Classification: Uncertain significance. Last evaluated: 2024-02-28. Review status: criteria provided, single submitter. Criteria: ACMG Guidelines, 2015. Collection method: clinical testing. Allele origin: germline.

Labcorp Genetics (formerly Invitae), Labcorp
Classification: Uncertain significance for Brody myopathy. Last evaluated: 2022-08-07. Review status: criteria provided, single submitter. Criteria: Invitae Variant Classification Sherloc (09022015). Collection method: clinical testing. Allele origin: germline.
Comment: This sequence change replaces isoleucine, which is neutral and non-polar, with threonine, which is neutral and polar, at codon 369 of the ATP2A1 protein (p.Ile369Thr). This variant is present in population databases (rs373299536, gnomAD 0.05%). This variant has not been reported in the literature in individuals affected with ATP2A1-related conditions. Algorithms developed to predict the effect of missense changes on protein structure and function are either unavailable or do not agree on the potential impact of this missense change (SIFT: "Tolerated"; PolyPhen-2: "Possibly Damaging"; Align-GVGD: "Class C0"). In summary, the available evidence is currently insufficient to determine the role of this variant in disease. Therefore, it has been classified as a Variant of Uncertain Significance.

Revvity Omics, Revvity
Classification: Uncertain significance for Brody myopathy. Last evaluated: 2020-02-24. Review status: criteria provided, single submitter. Criteria: ACMG Guidelines, 2015. Collection method: clinical testing. Allele origin: germline.

NM_004320.6(ATP2A1):c.1106T>C (p.Ile369Thr)

Gene: ATP2A1 (ATPase sarcoplasmic/endoplasmic reticulum Ca2+ transporting 1; plus strand). Cytogenetic location: 16p11.2.
Variant type: single nucleotide variant.
Coding change: c.1106T>C on transcript NM_004320.6 (MANE Select); coding-DNA position 1106, T replaced by C.
Protein change: p.Ile369Thr; replaces isoleucine 369 with threonine.
Molecular consequence: missense variant.
Genome position (GRCh38, 1-based): chr16:28,894,165, T>C. VCF-style: chr16-28894165-T-C. GRCh37 (hg19) VCF-style: chr16-28905486-T-C.
Other names: c.731T>C, p.Ile244Thr (NM_001286075.2); c.1106T>C, p.Ile369Thr (NM_173201.5); c.1106T>C (NM_173201.4); short protein forms I244T, I369T.
Identifiers: ClinVar variation 2195261 (VCV002195261.5), dbSNP rs373299536, ClinGen allele CA7986859.